The following is an entry in ClinVar:

ClinVar aggregate classification (germline): Uncertain significance (1 of 4 stars; one submission).

Conditions:
Hereditary cancer-predisposing syndrome. Also called: Neoplastic Syndromes, Hereditary; Tumor predisposition; Hereditary neoplastic syndrome; Hereditary Cancer Syndrome. Identifiers: Orphanet 140162, MedGen C0027672, MeSH D009386, MONDO:0015356.

Submission:

Ambry Genetics
Classification: Uncertain significance for Hereditary cancer-predisposing syndrome. Last evaluated: 2026-09-11. Review status: criteria provided, single submitter. Criteria: Ambry Variant Classification Scheme 2023. Collection method: clinical testing. Allele origin: germline.
Comment: The p.G256C variant (also known as c.766G>T), located in coding exon 8 of the RB1 gene, results from a G to T substitution at nucleotide position 766. The glycine at codon 256 is replaced by cysteine, an amino acid with highly dissimilar properties. This amino acid position is conserved. In addition, the in silico prediction for this alteration is inconclusive. Based on the available evidence, the clinical significance of this variant remains unclear.

NM_000321.3(RB1):c.766G>T (p.Gly256Cys)

Gene: RB1 (RB transcriptional corepressor 1; plus strand). Cytogenetic location: 13q14.2.
Variant type: single nucleotide variant.
Coding change: c.766G>T on transcript NM_000321.3 (MANE Select); coding-DNA position 766, G replaced by T.
Protein change: p.Gly256Cys; replaces glycine 256 with cysteine.
Molecular consequence: missense variant.
Genome position (GRCh38, 1-based): chr13:48,362,862, G>T. VCF-style: chr13-48362862-G-T. GRCh37 (hg19) VCF-style: chr13-48936998-G-T.
Other names: c.766G>T, p.Gly256Cys (NM_001407165.1, NM_001407166.1); short protein forms G256C.
Identifiers: ClinVar variation 5027992 (VCV005027992.1).